The following is an entry in ClinVar:

NM_139276.3(STAT3):c.37C>T (p.Arg13Trp)

Gene: STAT3 (signal transducer and activator of transcription 3; minus strand). Cytogenetic location: 17q21.2.
Variant type: single nucleotide variant.
Coding change: c.37C>T on transcript NM_139276.3 (MANE Select); coding-DNA position 37, C replaced by T.
Protein change: p.Arg13Trp; replaces arginine 13 with tryptophan.
Molecular consequence: missense variant.
Genome position (GRCh38, 1-based): chr17:42,348,480, G>A on the plus strand (C>T on the coding strand, the complement: STAT3 is on the minus strand). VCF-style: chr17-42348480-G-A. GRCh37 (hg19) VCF-style: chr17-40500498-G-A.
Other names: c.37C>T, p.Arg13Trp (NM_001369512.1, NM_001369513.1, NM_001369514.1 and 17 more transcripts); short protein forms R13W.
Identifiers: ClinVar variation 3757809 (VCV003757809.2).

ClinVar aggregate classification (germline): Uncertain significance (1 of 4 stars; one submission).

Conditions:
Hyper-IgE recurrent infection syndrome 1, autosomal dominant. Also called: STAT3 Hyper IgE Syndrome; Hyper-IgE recurrent infection syndrome 1; JOB SYNDROME; Job's Syndrome; HYPER-IgE SYNDROME 1, AUTOSOMAL DOMINANT, WITH RECURRENT INFECTIONS. Identifiers: Orphanet 2314, MedGen C2936739, MONDO:0007818, OMIM 147060.
STAT3 gain of function. Identifiers: MedGen C4288261.

Submission:

Labcorp Genetics (formerly Invitae), Labcorp
Classification: Uncertain significance for STAT3 gain of function; Hyper-IgE recurrent infection syndrome 1, autosomal dominant. Last evaluated: 2024-09-29. Review status: criteria provided, single submitter. Criteria: Invitae Variant Classification Sherloc (09022015). Collection method: clinical testing. Allele origin: germline.
Comment: This sequence change replaces arginine, which is basic and polar, with tryptophan, which is neutral and slightly polar, at codon 13 of the STAT3 protein (p.Arg13Trp). This variant is not present in population databases (gnomAD no frequency). This variant has not been reported in the literature in individuals affected with STAT3-related conditions. Invitae Evidence Modeling of protein sequence and biophysical properties (such as structural, functional, and spatial information, amino acid conservation, physicochemical variation, residue mobility, and thermodynamic stability) has been performed for this missense variant. However, the output from this modeling did not meet the statistical confidence thresholds required to predict the impact of this variant on STAT3 protein function. In summary, the available evidence is currently insufficient to determine the role of this variant in disease. Therefore, it has been classified as a Variant of Uncertain Significance.